The following is an entry in ClinVar:

ClinVar aggregate classification (germline): Uncertain significance (1 of 4 stars; one submission).

Submission:

Labcorp Genetics (formerly Invitae), Labcorp
Classification: Uncertain significance. Last evaluated: 2023-02-09. Review status: criteria provided, single submitter. Criteria: Invitae Variant Classification Sherloc (09022015). Collection method: clinical testing. Allele origin: germline.
Comment: In summary, the available evidence is currently insufficient to determine the role of this variant in disease. Therefore, it has been classified as a Variant of Uncertain Significance. Experimental studies and prediction algorithms are not available or were not evaluated, and the effect of this variant on mRNA splicing is currently unknown. This variant has not been reported in the literature in individuals affected with ELOVL5-related conditions. Information on the frequency of this variant in the gnomAD database is not available, as this variant may be reported differently in the database. This sequence change falls in intron 3 of the ELOVL5 gene. It does not directly change the encoded amino acid sequence of the ELOVL5 protein.

NM_021814.5(ELOVL5):c.247-15_247-14delinsGC

Gene: ELOVL5 (ELOVL fatty acid elongase 5; minus strand). Cytogenetic location: 6p12.1.
Variant type: Indel.
Coding change: c.247-15_247-14delinsGC on transcript NM_021814.5 (MANE Select); 15 bases into the intron before coding-DNA position 247 through 14 bases into the intron before coding-DNA position 247, TT replaced by GC.
Molecular consequence: intron variant.
Genome position (GRCh38, 1-based): chr6:53,276,270-53,276,271, AA replaced by GC on the plus strand (TT replaced by GC on the coding strand, the reverse complement: ELOVL5 is on the minus strand). VCF-style: chr6-53276270-AA-GC. GRCh37 (hg19) VCF-style: chr6-53141068-AA-GC.
Other names: c.247-15_247-14delinsGC (NM_001242830.2, NM_001301856.2); c.328-15_328-14delinsGC (NM_001242828.2).
Identifiers: ClinVar variation 3023343 (VCV003023343.3), dbSNP rs2533727817, ClinGen allele CA2740091363.
Genomic context (GRCh38, chr6:53,276,270, plus strand): 5'-CCCTGACAGAAGAAGTTGTATTTGCCTTCCCATACTCCTGTTACTAACTAAAAAAGAAGA[AA>GC]GAGCCAGTCACCAACAGCATCTGAGCCATGTAAAGTCCTCATTGAACTTTATTAGTTGCA-3'